The following is an entry in ClinVar:

ClinVar aggregate classification (germline): Uncertain significance (1 of 4 stars; one submission).

Conditions:
Combined oxidative phosphorylation defect type 17. Also called: Combined oxidative phosphorylation deficiency 17. Identifiers: Orphanet 369913, MedGen C3809526, MONDO:0014190, OMIM 615440.

gnomAD v4.1: 5 of 1,612,794 alleles (0.00031%); highest among the groups gnomAD compares: Admixed American, 0.0067%; no homozygotes.

Submission:

Labcorp Genetics (formerly Invitae), Labcorp
Classification: Uncertain significance for Combined oxidative phosphorylation defect type 17. Last evaluated: 2022-05-18. Review status: criteria provided, single submitter. Criteria: Invitae Variant Classification Sherloc (09022015). Collection method: clinical testing. Allele origin: germline.
Comment: This sequence change replaces glutamic acid, which is acidic and polar, with aspartic acid, which is acidic and polar, at codon 804 of the ELAC2 protein (p.Glu804Asp). This variant is present in population databases (no rsID available, gnomAD 0.006%). This variant has not been reported in the literature in individuals affected with ELAC2-related conditions. Algorithms developed to predict the effect of missense changes on protein structure and function output the following: SIFT: "Tolerated"; PolyPhen-2: "Benign"; Align-GVGD: "Class C0". The aspartic acid amino acid residue is found in multiple mammalian species, which suggests that this missense change does not adversely affect protein function. In summary, the available evidence is currently insufficient to determine the role of this variant in disease. Therefore, it has been classified as a Variant of Uncertain Significance.

NM_018127.7(ELAC2):c.2412G>T (p.Glu804Asp)

Gene: ELAC2 (elaC ribonuclease Z 2; minus strand). Cytogenetic location: 17p12.
Variant type: single nucleotide variant.
Coding change: c.2412G>T on transcript NM_018127.7 (MANE Select); coding-DNA position 2412, G replaced by T.
Protein change: p.Glu804Asp; replaces glutamic acid 804 with aspartic acid.
Molecular consequence: missense variant.
Genome position (GRCh38, 1-based): chr17:12,992,887, C>A on the plus strand (G>T on the coding strand, the complement: ELAC2 is on the minus strand). VCF-style: chr17-12992887-C-A. GRCh37 (hg19) VCF-style: chr17-12896204-C-A.
Other names: c.2292G>T, p.Glu764Asp (NM_001165962.2); c.2409G>T, p.Glu803Asp (NM_173717.2); short protein forms E764D, E803D, E804D.
Identifiers: ClinVar variation 2161970 (VCV002161970.1), dbSNP rs1165224986, ClinGen allele CA398222140.